The following is an entry in ClinVar:

NM_212482.4(FN1):c.3466C>G (p.Leu1156Val)

Gene: FN1 (fibronectin 1; minus strand). Cytogenetic location: 2q35.
Variant type: single nucleotide variant.
Coding change: c.3466C>G on transcript NM_212482.4 (MANE Select); coding-DNA position 3466, C replaced by G.
Protein change: p.Leu1156Val; replaces leucine 1156 with valine.
Molecular consequence: missense variant.
Genome position (GRCh38, 1-based): chr2:215,397,731, G>C on the plus strand (C>G on the coding strand, the complement: FN1 is on the minus strand). VCF-style: chr2-215397731-G-C. GRCh37 (hg19) VCF-style: chr2-216262454-G-C.
Other names: c.3466C>G, p.Leu1156Val (NM_001306129.2, NM_001306130.2, NM_001306131.2 and 13 more transcripts); short protein forms L1156V.
Identifiers: ClinVar variation 988018 (VCV000988018.8), dbSNP rs377551589, ClinGen allele CA2094705.

ClinVar aggregate classification (germline): Conflicting classifications of pathogenicity. Review status: criteria provided, conflicting classifications (1 of 4 stars). 3 submissions from 3 submitters: Uncertain significance (1); Likely benign (2). Last evaluated 2025-07-16.

Conditions:
FN1-related disorder. Also called: FN1-related condition.
Glomerulopathy with fibronectin deposits 2 (GFND2). Identifiers: Orphanet 84090, MedGen C1866075, MONDO:0011165, OMIM 601894.

Allele frequency attached by ClinVar (database versions not stated): gnomAD exomes 0.00001 and 0.00003; ExAC 0.00003; ESP Exome Variant Server 0.00015; TOPMed 0.00015; 1000 Genomes Project 30x 0.00016; gnomAD 0.00017 and 0.00018; 1000 Genomes Project 0.00020.
gnomAD v4.1: 43 of 1,613,996 alleles (0.0027%); highest among the groups gnomAD compares: African/African-American, 0.057%; no homozygotes.

Submissions (3):

PreventionGenetics, part of Exact Sciences
Classification: Likely benign for FN1-related condition. Last evaluated: 2025-07-16. Review status: criteria provided, single submitter. Criteria: ACMG Guidelines, 2015. Collection method: clinical testing. Allele origin: germline.
Comment: This variant is classified as likely benign based on ACMG/AMP sequence variant interpretation guidelines (Richards et al. 2015 PMID: 25741868, with internal and published modifications).

Labcorp Genetics (formerly Invitae), Labcorp
Classification: Likely benign. Last evaluated: 2025-07-10. Review status: criteria provided, single submitter. Criteria: Invitae Variant Classification Sherloc (09022015). Collection method: clinical testing. Allele origin: germline.

Johns Hopkins Genomics, Johns Hopkins University
Classification: Uncertain significance for Glomerulopathy with fibronectin deposits 2. Last evaluated: 2020-11-09. Review status: criteria provided, single submitter. Criteria: ACMG Guidelines, 2015. Collection method: clinical testing. Allele origin: germline.
Comment: This FN1 variant (rs377551589) is present in a large population dataset (gnomAD: 15/282802 total alleles; 0.005%; no homozygotes) and has not been reported in ClinVar nor the literature, to our knowledge. Of three bioinformatics tools queried, two predict that the substitution would be tolerated, while one predicts that it would be damaging. The leucine residue at this position is evolutionarily conserved across most mammals. Due to insufficient evidence, we consider the clinical significance of c.3466C>G to be uncertain at this time.